The following is an entry in ClinVar:

GRCh38/hg38 2q12.2-12.3(chr2:106261594-107786796)x1

Genes: CD8B2 (CD8B family member 2; plus strand), GACAT1 (gastric cancer associated transcript 1; plus strand), LINC01789 (long intergenic non-protein coding RNA 1789; minus strand), LINC01885 (long intergenic non-protein coding RNA 1885; minus strand), LINC01886 (long intergenic non-protein coding RNA 1886; plus strand) and 9 more. Cytogenetic location: 2q12.2-12.3.
Variant type: copy number loss.
Change: copy number 1 (one copy instead of two) of chr2:106,261,594-107,786,796 (1.53 Mb, GRCh38 coordinates, 1-based), cytogenetic band 2q12.2-12.3.
Identifiers: ClinVar variation 57563 (VCV000057563.1).

ClinVar aggregate classification (germline): Uncertain significance (1 of 4 stars; one submission).

Submission:

ISCA site 17
Classification: Uncertain significance. Last evaluated: 2011-08-12. Review status: criteria provided, single submitter. Criteria: Kaminsky et al. (Genet Med. 2011). Collection method: clinical testing. Allele origin: unknown. Affected: yes. Observed: 1 variant allele.
Comment: Copy number variation identified through the course of routine clinical cytogenomic testing in postnatal populations. Clinical assertions have been curated as described in Kaminsky et al. 2011.